The following is an entry in ClinVar:

ClinVar aggregate classification (germline): Uncertain significance. Review status: criteria provided, multiple submitters, no conflicts (2 of 4 stars). 7 submissions from 7 submitters: Uncertain significance (7). Last evaluated 2026-03-23.

Conditions:
Hereditary sensory and autonomic neuropathy type 6. Also called: Neuropathy, hereditary sensory and autonomic, type VI; HSAN VI. Identifiers: Orphanet 314381, MedGen C3539003, MONDO:0013839, OMIM 614653.
Epidermolysis bullosa simplex 3, localized or generalized intermediate, with BP230 deficiency (EBS3). Also called: Epidermolysis bullosa simplex, autosomal recessive 2; Epidermolysis bullosa simplex due to BP230 deficiency. Identifiers: Orphanet 412181, MedGen C3809470, MONDO:0014180, OMIM 615425.
DST-related disorder. Also called: DST-related disorders; DST-related condition.
Inborn genetic diseases. Identifiers: MedGen C0950123, MeSH D030342.

Allele frequency attached by ClinVar (database versions not stated): gnomAD exomes 0.00012 and 0.00017; TOPMed 0.00012; gnomAD 0.00013 and 0.00015; ExAC 0.00014; 1000 Genomes Project 30x 0.00031; 1000 Genomes Project 0.00040.
gnomAD v4.1: 195 of 1,585,178 alleles (0.012%); highest among the groups gnomAD compares: Middle Eastern, 0.051%; no homozygotes.

Submissions (7):

PreventionGenetics, part of Exact Sciences
Classification: Uncertain significance for DST-related condition. Last evaluated: 2026-03-23. Review status: criteria provided, single submitter. Criteria: ACMG Guidelines, 2015. Collection method: clinical testing. Allele origin: germline.
Comment: The DST c.14035A>G variant is predicted to result in the amino acid substitution p.Lys4679Glu. This variant has been reported in the heterozygous state in an individual with features of a DST-related disorder; however, a second variant was not identified (Reported as c.12523A>G; p.Lys4175Glu with NM_015548; Suthar et al. 2022. PubMed ID: 35263888). This variant is reported in 0.039% of alleles in individuals of Latino descent in gnomAD. At this time, the clinical significance of this variant is uncertain due to the absence of conclusive functional and genetic evidence.

CeGaT Center for Human Genetics Tuebingen
Classification: Uncertain significance. Last evaluated: 2026-02-01. Review status: criteria provided, single submitter. Criteria: CeGaT Center For Human Genetics Tuebingen Variant Classification Criteria Version 2. Collection method: clinical testing. Allele origin: germline. Affected: yes. Observed: 1 variant allele.
Comment: DST: PM2

Labcorp Genetics (formerly Invitae), Labcorp
Classification: Uncertain significance for Epidermolysis bullosa simplex 3, localized or generalized intermediate, with BP230 deficiency; Hereditary sensory and autonomic neuropathy type 6. Last evaluated: 2025-09-08. Review status: criteria provided, single submitter. Criteria: Invitae Variant Classification Sherloc (09022015). Collection method: clinical testing. Allele origin: germline.
Comment: The DST gene has multiple clinically relevant transcripts. This variant occurs in alternate transcript NM_015548.4, and corresponds to NM_001723.5:c.*121505A>G in the primary transcript. This sequence change replaces lysine, which is basic and polar, with glutamic acid, which is acidic and polar, at codon 4175 of the DST protein (p.Lys4175Glu). This variant is present in population databases (rs560268832, gnomAD 0.04%). This variant has not been reported in the literature in individuals affected with DST-related conditions. ClinVar contains an entry for this variant (Variation ID: 971929). Experimental studies and prediction algorithms are not available or were not evaluated, and the functional significance of this variant is currently unknown. In summary, the available evidence is currently insufficient to determine the role of this variant in disease. Therefore, it has been classified as a Variant of Uncertain Significance.

Mayo Clinic Laboratories, Mayo Clinic
Classification: Uncertain significance. Last evaluated: 2025-08-11. Review status: criteria provided, single submitter. Criteria: ACMG Guidelines, 2015. Collection method: clinical testing. Allele origin: germline. Observed: 2 variant alleles.
Comment: BP4

Blueprint Genetics
Classification: Uncertain significance. Last evaluated: 2024-03-09. Review status: criteria provided, single submitter. Criteria: ACMG Guidelines, 2015. Collection method: clinical testing. Allele origin: germline.

Ambry Genetics
Classification: Uncertain significance for Inborn genetic diseases. Last evaluated: 2021-12-01. Review status: criteria provided, single submitter. Criteria: Ambry Variant Classification Scheme 2023. Collection method: clinical testing. Allele origin: germline.
Comment: The p.K4679E variant (also known as c.14035A>G), located in coding exon 77 of the DST gene, results from an A to G substitution at nucleotide position 14035. The lysine at codon 4679 is replaced by glutamic acid, an amino acid with similar properties. This amino acid position is highly conserved in available vertebrate species. In addition, the in silico prediction for this alteration is inconclusive. Since supporting evidence is limited at this time, the clinical significance of this alteration remains unclear.

Breakthrough Genomics
Classification: Uncertain significance. Review status: criteria provided, single submitter. Criteria: ACMG Guidelines, 2015. Collection method: not provided. Allele origin: germline. Inheritance: Autosomal recessive inheritance. Affected: yes.

Literature cited by the submitters: PubMed 35263888 (cited by Mayo Clinic Laboratories, Mayo Clinic).

NM_001374736.1(DST):c.20392A>G (p.Lys6798Glu)

Gene: DST (dystonin; minus strand). Cytogenetic location: 6p12.1.
Variant type: single nucleotide variant.
Coding change: c.20392A>G on transcript NM_001374736.1 (MANE Select); coding-DNA position 20392, A replaced by G.
Protein change: p.Lys6798Glu; replaces lysine 6798 with glutamic acid.
Molecular consequence: missense variant.
Genome position (GRCh38, 1-based): chr6:56,494,012, T>C on the plus strand (A>G on the coding strand, the complement: DST is on the minus strand). VCF-style: chr6-56494012-T-C. GRCh37 (hg19) VCF-style: chr6-56358810-T-C.
Other names: p.Lys4175Glu; c.14035A>G, p.Lys4679Glu (NM_001144769.5); c.13621A>G, p.Lys4541Glu (NM_001144770.2); c.20392A>G, p.Lys6798Glu (NM_001374722.1); c.19432A>G, p.Lys6478Glu (NM_001374729.1); c.13174A>G, p.Lys4392Glu (NM_001374730.1); c.20419A>G, p.Lys6807Glu (NM_001374734.1); c.12523A>G, p.Lys4175Glu (NM_015548.5); and 1 more; short protein forms K4392E, K4501E, K4541E, K6478E, K4175E, K4679E, K6798E, K6807E.
Identifiers: ClinVar variation 971929 (VCV000971929.16), dbSNP rs560268832, ClinGen allele CA3866767.